The following is an entry in ClinVar:

NM_012203.2(GRHPR):c.667G>C (p.Glu223Gln)

Gene: GRHPR (glyoxylate and hydroxypyruvate reductase; plus strand). Cytogenetic location: 9p13.2.
Variant type: single nucleotide variant.
Coding change: c.667G>C on transcript NM_012203.2 (MANE Select); coding-DNA position 667, G replaced by C.
Protein change: p.Glu223Gln; replaces glutamic acid 223 with glutamine.
Molecular consequence: missense variant.
Genome position (GRCh38, 1-based): chr9:37,430,579, G>C. VCF-style: chr9-37430579-G-C. GRCh37 (hg19) VCF-style: chr9-37430576-G-C.
Other names: short protein forms E223Q.
Identifiers: ClinVar variation 3522552 (VCV003522552.1).
Genomic context (GRCh38, chr9:37,430,579, plus strand): 5'-CCTGAGCTGGCTGCCCAATCTGATTTCATCGTCGTGGCCTGCTCCTTAACACCTGCAACC[G>C]AGGGACTCTGCAACAAGGACTTCTTCCAGAAGATGAAGGAAACAGCTGTGTTCATCAACA-3'
Protein context (NP_036335.1, residues 213-233): VVACSLTPAT[Glu223Gln]GLCNKDFFQK

ClinVar aggregate classification (germline): Uncertain significance (1 of 4 stars; one submission).

Conditions:
Nephrolithiasis/nephrocalcinosis. Identifiers: MedGen CN580796.

Submission:

Ambry Genetics
Classification: Uncertain significance for Nephrolithiasis/nephrocalcinosis. Last evaluated: 2024-11-13. Review status: criteria provided, single submitter. Criteria: Ambry Variant Classification Scheme 2023. Collection method: clinical testing. Allele origin: germline.
Comment: The p.E223Q variant (also known as c.667G>C), located in coding exon 7 of the GRHPR gene, results from a G to C substitution at nucleotide position 667. The glutamic acid at codon 223 is replaced by glutamine, an amino acid with highly similar properties. This amino acid position is conserved. In addition, this alteration is predicted to be tolerated by in silico analysis. Based on the available evidence, the clinical significance of this variant remains unclear.